The following is an entry in ClinVar:

ClinVar aggregate classification (germline): Likely benign (0 of 4 stars; one submission).

Conditions:
SLC22A25-related disorder. Also called: SLC22A25-related condition.

Allele frequency attached by ClinVar (database versions not stated): gnomAD 0.00019; 1000 Genomes Project 0.00020; TOPMed 0.00023; ExAC 0.00026; gnomAD exomes 0.00030; 1000 Genomes Project 30x 0.00031; ESP Exome Variant Server 0.00054.
gnomAD v4.1: 456 of 1,614,100 alleles (0.028%); highest among the groups gnomAD compares: Non-Finnish European, 0.037%; no homozygotes.

Submission:

PreventionGenetics, part of Exact Sciences
Classification: Likely benign for SLC22A25-related condition. Last evaluated: 2019-08-28. Review status: no assertion criteria provided. Collection method: clinical testing. Allele origin: germline.
Comment: This variant is classified as likely benign based on ACMG/AMP sequence variant interpretation guidelines (Richards et al. 2015 PMID: 25741868, with internal and published modifications).

NM_199352.6(SLC22A25):c.177C>A (p.Ile59=)

Gene: SLC22A25 (solute carrier family 22 member 25; minus strand). Cytogenetic location: 11q12.3.
Variant type: single nucleotide variant.
Coding change: c.177C>A on transcript NM_199352.6 (MANE Select); coding-DNA position 177, C replaced by A.
Protein change: p.Ile59=; no amino-acid change (isoleucine 59 retained).
Molecular consequence: synonymous variant.
Genome position (GRCh38, 1-based): chr11:63,229,476, G>T on the plus strand (C>A on the coding strand, the complement: SLC22A25 is on the minus strand). VCF-style: chr11-63229476-G-T. GRCh37 (hg19) VCF-style: chr11-62996948-G-T.
Other names: c.177C>A, p.Ile59= (NM_001394058.1, NM_001394059.1).
Identifiers: ClinVar variation 3053052 (VCV003053052.2), dbSNP rs150691466, ClinGen allele CA6060907.
Genomic context (GRCh38, chr11:63,229,476, plus strand): 5'-GAATGGGATGGAGATTCTCAGGAGGGCATCCTGGCTGAGGGTCCCAGGGTCATTGTCAGG[G>T]ATAGTGTCATTGTCCAGTATATGAACCCAGCAGCGATGATCAAGTATGAATGCTGCGAAG-3'
Protein context (NP_955384.3, residues 49-69): CWVHILDNDT[Ile59=]PDNDPGTLSQ